The following is an entry in ClinVar:

NM_020911.2(PLXNA4):c.229G>A (p.Asp77Asn)

Gene: PLXNA4 (plexin A4; minus strand). Cytogenetic location: 7q32.3.
Variant type: single nucleotide variant.
Coding change: c.229G>A on transcript NM_020911.2 (MANE Select); coding-DNA position 229, G replaced by A.
Protein change: p.Asp77Asn; replaces aspartic acid 77 with asparagine.
Molecular consequence: missense variant.
Genome position (GRCh38, 1-based): chr7:132,508,465, C>T on the plus strand (G>A on the coding strand, the complement: PLXNA4 is on the minus strand). VCF-style: chr7-132508465-C-T. GRCh37 (hg19) VCF-style: chr7-132193224-C-T.
Other names: c.229G>A, p.Asp77Asn (NM_001105543.2, NM_001393897.1, NM_181775.4); short protein forms D77N.
Identifiers: ClinVar variation 4985178 (VCV004985178.1).
Genomic context (GRCh38, chr7:132,508,465, plus strand): 5'-GGTAACACTTGGGGTTGTCCTCGTCCGGCCCTGTCTCATGCGTCACCAAGACCTTCAGGT[C>T]GCTGGAGAGCTTGTAAATCCGATTGACGGCCCCCAAGTAAATGTGTCCTGTCCTCTCATC-3'
Protein context (NP_065962.1, residues 67-87): AVNRIYKLSS[Asp77Asn]LKVLVTHETG

ClinVar aggregate classification (germline): Uncertain significance (1 of 4 stars; one submission).

Conditions:
PLXNA4-related disorder. Also called: PLXNA4-related condition.

gnomAD v4.1: 17 of 1,614,096 alleles (0.0011%); highest among the groups gnomAD compares: Admixed American, 0.0017%; no homozygotes.

Submission:

PreventionGenetics, part of Exact Sciences
Classification: Uncertain significance for PLXNA4-related condition. Last evaluated: 2026-08-24. Review status: criteria provided, single submitter. Criteria: ACMG Guidelines, 2015. Collection method: clinical testing. Allele origin: germline.
Comment: The PLXNA4 c.229G>A variant is predicted to result in the amino acid substitution p.Asp77Asn. To our knowledge, this variant has not been reported in the literature. This variant is reported in 0.00088% of alleles in individuals of European (Non-Finnish) descent in gnomAD. At this time, the clinical significance of this variant is uncertain due to the absence of conclusive functional and genetic evidence.